The following is an entry in ClinVar:

ClinVar aggregate classification (germline): Uncertain significance (1 of 4 stars; one submission).

Submission:

Ambry Genetics
Classification: Uncertain significance. Last evaluated: 2024-09-09. Review status: criteria provided, single submitter. Criteria: Ambry Variant Classification Scheme 2023. Collection method: clinical testing. Allele origin: germline.
Comment: The p.G1188A variant (also known as c.3563G>C), located in coding exon 4 of the ALPK2 gene, results from a G to C substitution at nucleotide position 3563. The glycine at codon 1188 is replaced by alanine, an amino acid with similar properties. This amino acid position is conserved. In addition, this alteration is predicted to be tolerated by in silico analysis. Based on the available evidence, the clinical significance of this variant remains unclear.

NM_052947.4(ALPK2):c.3563G>C (p.Gly1188Ala)

Gene: ALPK2 (alpha kinase 2; minus strand). Cytogenetic location: 18q21.31.
Variant type: single nucleotide variant.
Coding change: c.3563G>C on transcript NM_052947.4 (MANE Select); coding-DNA position 3563, G replaced by C.
Protein change: p.Gly1188Ala; replaces glycine 1188 with alanine.
Molecular consequence: missense variant.
Genome position (GRCh38, 1-based): chr18:58,536,624, C>G on the plus strand (G>C on the coding strand, the complement: ALPK2 is on the minus strand). VCF-style: chr18-58536624-C-G. GRCh37 (hg19) VCF-style: chr18-56203856-C-G.
Other names: short protein forms G1188A.
Identifiers: ClinVar variation 3530013 (VCV003530013.1).